The following is an entry in ClinVar:

ClinVar aggregate classification (germline): Pathogenic (1 of 4 stars; one submission).

Submission:

Labcorp Genetics (formerly Invitae), Labcorp
Classification: Pathogenic. Last evaluated: 2021-12-14. Review status: criteria provided, single submitter. Criteria: Invitae Variant Classification Sherloc (09022015). Collection method: clinical testing. Allele origin: germline.
Comment: A similar copy number variant has been observed in individual(s) with Alport syndrome (PMID: 10094548, 28546999). In at least one individual the variant was observed to be de novo. This variant disrupts the triple helix domain of COL4A5. Glycine residues within the Gly-Xaa-Yaa repeats of the triple helix domain are required for the structure and stability of fibrillar collagens (PMID: 7695699, 8218237, 19344236). In COL4A5, missense variants at these glycine residues are significantly enriched in individuals with disease (PMID: 23720012, 27627812) compared to the general population (ExAC). For these reasons, this variant has been classified as Pathogenic. This variant is a gross deletion of the genomic region encompassing exon(s) 38-41 of the COL4A5 gene. This variant would be expected to be in-frame, preserving the integrity of the reading frame.

Literature cited by the submitters: PubMed 10094548; PubMed 28546999; PubMed 7695699; PubMed 8218237; PubMed 19344236; PubMed 23720012; PubMed 27627812.

NC_000023.10:g.(?_107908717)_(107911754_?)del

Gene: COL4A5 (collagen type IV alpha 5 chain; plus strand). Cytogenetic location: Xq22.3.
Variant type: Deletion.
Identifiers: ClinVar variation 2423173 (VCV002423173.4).